The following is an entry in ClinVar:

NM_005876.5(SPEG):c.4001C>T (p.Ala1334Val)

Gene: SPEG (striated muscle enriched protein kinase; plus strand). Cytogenetic location: 2q35.
Variant type: single nucleotide variant.
Coding change: c.4001C>T on transcript NM_005876.5 (MANE Select); coding-DNA position 4001, C replaced by T.
Protein change: p.Ala1334Val; replaces alanine 1334 with valine.
Molecular consequence: missense variant.
Genome position (GRCh38, 1-based): chr2:219,472,950, C>T. VCF-style: chr2-219472950-C-T. GRCh37 (hg19) VCF-style: chr2-220337672-C-T.
Other names: c.4001C>T (NM_005876.4); short protein forms A1334V.
Identifiers: ClinVar variation 1396785 (VCV001396785.7), dbSNP rs756162814, ClinGen allele CA2126373.

ClinVar aggregate classification (germline): Uncertain significance. Review status: criteria provided, multiple submitters, no conflicts (2 of 4 stars). 2 submissions from 2 submitters: Uncertain significance (2). Last evaluated 2023-12-13.

Conditions:
Inborn genetic diseases. Identifiers: MedGen C0950123, MeSH D030342.

Allele frequency attached by ClinVar (database versions not stated): gnomAD 0.00001; ExAC 0.00002.
gnomAD v4.1: 11 of 1,613,638 alleles (0.00068%); highest among the groups gnomAD compares: South Asian, 0.0066%; no homozygotes.

Submissions (2):

Ambry Genetics
Classification: Uncertain significance for Inborn genetic diseases. Last evaluated: 2023-12-13. Review status: criteria provided, single submitter. Criteria: Ambry Variant Classification Scheme 2023. Collection method: clinical testing. Allele origin: germline.

Labcorp Genetics (formerly Invitae), Labcorp
Classification: Uncertain significance. Last evaluated: 2021-09-01. Review status: criteria provided, single submitter. Criteria: Invitae Variant Classification Sherloc (09022015). Collection method: clinical testing. Allele origin: germline.
Comment: In summary, the available evidence is currently insufficient to determine the role of this variant in disease. Therefore, it has been classified as a Variant of Uncertain Significance. Algorithms developed to predict the effect of sequence changes on RNA splicing suggest that this variant may create or strengthen a splice site. This sequence change replaces alanine with valine at codon 1334 of the SPEG protein (p.Ala1334Val). The alanine residue is moderately conserved and there is a small physicochemical difference between alanine and valine. This variant is present in population databases (rs756162814, ExAC 0.01%). This variant has not been reported in the literature in individuals affected with SPEG-related conditions. Algorithms developed to predict the effect of missense changes on protein structure and function output the following: SIFT: "Tolerated"; PolyPhen-2: "Benign"; Align-GVGD: "Class C0". The valine amino acid residue is found in multiple mammalian species, which suggests that this missense change does not adversely affect protein function.